The following is an entry in ClinVar:

NM_015466.4(PTPN23):c.4640C>A (p.Pro1547His)

Gene: PTPN23 (protein tyrosine phosphatase non-receptor type 23; plus strand). Cytogenetic location: 3p21.31.
Variant type: single nucleotide variant.
Coding change: c.4640C>A on transcript NM_015466.4 (MANE Select); coding-DNA position 4640, C replaced by A.
Protein change: p.Pro1547His; replaces proline 1547 with histidine.
Molecular consequence: missense variant.
Genome position (GRCh38, 1-based): chr3:47,412,914, C>A. VCF-style: chr3-47412914-C-A. GRCh37 (hg19) VCF-style: chr3-47454404-C-A.
Other names: c.4262C>A, p.Pro1421His (NM_001304482.2); short protein forms P1421H, P1547H.
Identifiers: ClinVar variation 3359387 (VCV003359387.2).

ClinVar aggregate classification (germline): Uncertain significance (1 of 4 stars; one submission).

gnomAD v4.1: 38 of 1,603,170 alleles (0.0024%); highest among the groups gnomAD compares: South Asian, 0.039%; 1 homozygote.

Submission:

GeneDx
Classification: Uncertain significance. Last evaluated: 2025-03-13. Review status: criteria provided, single submitter. Criteria: GeneDx Variant Classification Process June 2021. Collection method: clinical testing. Allele origin: germline.
Comment: In silico analysis supports that this missense variant does not alter protein structure/function; Has not been previously published as pathogenic or benign to our knowledge